The following is an entry in ClinVar:

NM_015164.4(PLEKHM2):c.1066G>A (p.Gly356Ser)

Gene: PLEKHM2 (pleckstrin homology and RUN domain containing M2; plus strand). Cytogenetic location: 1p36.21.
Variant type: single nucleotide variant.
Coding change: c.1066G>A on transcript NM_015164.4 (MANE Select); coding-DNA position 1066, G replaced by A.
Protein change: p.Gly356Ser; replaces glycine 356 with serine.
Molecular consequence: missense variant.
Genome position (GRCh38, 1-based): chr1:15,727,138, G>A. VCF-style: chr1-15727138-G-A. GRCh37 (hg19) VCF-style: chr1-16053633-G-A.
Other names: c.1006G>A, p.Gly336Ser (NM_001410755.1); c.1066G>A (NM_015164.2); short protein forms G336S, G356S.
Identifiers: ClinVar variation 2751300 (VCV002751300.4), dbSNP rs200329773, ClinGen allele CA616840.

ClinVar aggregate classification (germline): Conflicting classifications of pathogenicity. Review status: criteria provided, conflicting classifications (1 of 4 stars). 2 submissions from 2 submitters: Uncertain significance (1); Likely benign (1). Last evaluated 2025-09-22.

Allele frequency attached by ClinVar (database versions not stated): gnomAD 0.00001; TOPMed 0.00001; ExAC 0.00003.
gnomAD v4.1: 20 of 1,593,048 alleles (0.0013%); highest among the groups gnomAD compares: South Asian, 0.0068%; 1 homozygote.

Submissions (2):

Ambry Genetics
Classification: Likely benign. Last evaluated: 2025-09-22. Review status: criteria provided, single submitter. Criteria: Ambry Variant Classification Scheme 2023. Collection method: clinical testing. Allele origin: germline.

Labcorp Genetics (formerly Invitae), Labcorp
Classification: Uncertain significance. Last evaluated: 2024-09-10. Review status: criteria provided, single submitter. Criteria: Invitae Variant Classification Sherloc (09022015). Collection method: clinical testing. Allele origin: germline.
Comment: This sequence change replaces glycine, which is neutral and non-polar, with serine, which is neutral and polar, at codon 356 of the PLEKHM2 protein (p.Gly356Ser). This variant is present in population databases (rs200329773, gnomAD 0.007%). This variant has not been reported in the literature in individuals affected with PLEKHM2-related conditions. An algorithm developed to predict the effect of missense changes on protein structure and function outputs the following: PolyPhen-2: "Benign". The serine amino acid residue is found in multiple mammalian species, which suggests that this missense change does not adversely affect protein function. In summary, the available evidence is currently insufficient to determine the role of this variant in disease. Therefore, it has been classified as a Variant of Uncertain Significance.